The following is an entry in ClinVar:

NM_006946.4(SPTBN2):c.4395C>T (p.Ala1465=)

Gene: SPTBN2 (spectrin beta, non-erythrocytic 2; minus strand). Cytogenetic location: 11q13.2.
Variant type: single nucleotide variant.
Coding change: c.4395C>T on transcript NM_006946.4 (MANE Select); coding-DNA position 4395, C replaced by T.
Protein change: p.Ala1465=; no amino-acid change (alanine 1465 retained).
Molecular consequence: synonymous variant.
Genome position (GRCh38, 1-based): chr11:66,694,247, G>A on the plus strand (C>T on the coding strand, the complement: SPTBN2 is on the minus strand). VCF-style: chr11-66694247-G-A. GRCh37 (hg19) VCF-style: chr11-66461718-G-A.
Other names: c.4416C>T, p.Ala1472= (NM_001411025.1).
Identifiers: ClinVar variation 3023032 (VCV003023032.5), dbSNP rs769505827, ClinGen allele CA6128599.

ClinVar aggregate classification (germline): Likely benign. Review status: criteria provided, multiple submitters, no conflicts (2 of 4 stars). 2 submissions from 2 submitters: Likely benign (2). Last evaluated 2026-04-01.

Allele frequency attached by ClinVar (database versions not stated): ExAC 0.00003; TOPMed 0.00003.
gnomAD v4.1: 39 of 1,614,080 alleles (0.0024%); highest among the groups gnomAD compares: Middle Eastern, 0.05%; no homozygotes.

Submissions (2):

CeGaT Center for Human Genetics Tuebingen
Classification: Likely benign. Last evaluated: 2026-04-01. Review status: criteria provided, single submitter. Criteria: CeGaT Center For Human Genetics Tuebingen Variant Classification Criteria Version 2. Collection method: clinical testing. Allele origin: germline. Affected: yes. Observed: 1 variant allele.
Comment: SPTBN2: BP4, BP7

Labcorp Genetics (formerly Invitae), Labcorp
Classification: Likely benign. Last evaluated: 2023-06-05. Review status: criteria provided, single submitter. Criteria: Invitae Variant Classification Sherloc (09022015). Collection method: clinical testing. Allele origin: germline.